The following is an entry in ClinVar:

NM_004086.3(COCH):c.740C>G (p.Ala247Gly)

Genes: COCH (cochlin; plus strand), LOC100506071 (uncharacterized LOC100506071; minus strand). Cytogenetic location: 14q12.
Variant type: single nucleotide variant.
Coding change: c.740C>G on transcript NM_004086.3 (MANE Select); coding-DNA position 740, C replaced by G.
Protein change: p.Ala247Gly; replaces alanine 247 with glycine.
Molecular consequence: missense variant.
Genome position (GRCh38, 1-based): chr14:30,885,400, C>G. VCF-style: chr14-30885400-C-G. GRCh37 (hg19) VCF-style: chr14-31354606-C-G.
Other names: c.740C>G, p.Ala247Gly (NM_001135058.2); c.935C>G, p.Ala312Gly (NM_001347720.2); short protein forms A247G, A312G.
Identifiers: ClinVar variation 3391623 (VCV003391623.1).
Genomic context (GRCh38, chr14:30,885,400, plus strand): 5'-AATGTGGTTTGAGCAGTGGTAAAGGCTATTTGTTTGCTTCTTTTTCAAATTTAGGAAAAG[C>G]CTTGAAGCATACTGCTCAGAAATTCTTCACGGTAGATGCTGGAGTAAGAAAAGGGATCCC-3'
Protein context (NP_004077.1, residues 237-257): FRGGNSNTGK[Ala247Gly]LKHTAQKFFT

ClinVar aggregate classification (germline): Uncertain significance (1 of 4 stars; one submission).

gnomAD v4.1: 19 of 1,612,872 alleles (0.0012%); highest among the groups gnomAD compares: African/African-American, 0.0027%; no homozygotes.

Submission:

GeneDx
Classification: Uncertain significance. Last evaluated: 2024-06-17. Review status: criteria provided, single submitter. Criteria: GeneDx Variant Classification Process June 2021. Collection method: clinical testing. Allele origin: germline. Affected: yes.
Comment: Not observed at significant frequency in large population cohorts (gnomAD); In silico analysis supports that this missense variant has a deleterious effect on protein structure/function; Has not been previously published as pathogenic or benign to our knowledge